The following is an entry in ClinVar:

NM_001190274.2(FBXO11):c.2381A>G (p.Asn794Ser)

Genes: FBXO11 (F-box protein 11; minus strand), MSH6 (mutS homolog 6; plus strand). Cytogenetic location: 2p16.3.
Variant type: single nucleotide variant.
Coding change: c.2381A>G on transcript NM_001190274.2 (MANE Select); coding-DNA position 2381, A replaced by G.
Protein change: p.Asn794Ser; replaces asparagine 794 with serine.
Molecular consequence: missense variant. On other transcripts: intron variant (6).
Genome position (GRCh38, 1-based): chr2:47,809,665, T>C on the plus strand (A>G on the coding strand, the complement: FBXO11 is on the minus strand). VCF-style: chr2-47809665-T-C. GRCh37 (hg19) VCF-style: chr2-48036804-T-C.
Other names: c.2129A>G, p.Asn710Ser (NM_001374325.1, NM_025133.4); c.*44-334T>C (NM_001406809.1); c.*41-334T>C (NM_001406796.1, NM_001406811.1, NM_001406805.1 and 2 more transcripts); short protein forms N794S, N710S.
Identifiers: ClinVar variation 2711837 (VCV002711837.5), dbSNP rs1229432338, ClinGen allele CA346762772.

ClinVar aggregate classification (germline): Uncertain significance. Review status: criteria provided, multiple submitters, no conflicts (2 of 4 stars). 2 submissions from 2 submitters: Uncertain significance (2). Last evaluated 2026-01-08.

Allele frequency attached by ClinVar (database versions not stated): TOPMed below 0.00001; gnomAD exomes below 0.00001; gnomAD 0.00001.
gnomAD v4.1: 2 of 1,613,520 alleles (0.00012%); highest among the groups gnomAD compares: South Asian, 0.0011%; no homozygotes.

Submissions (2):

Dasa
Classification: Uncertain significance. Last evaluated: 2026-01-08. Review status: criteria provided, single submitter. Criteria: DASA Assertion Criteria. Collection method: clinical testing. Allele origin: germline.
Comment: NM_001190274.2(FBXO11):c.2381A>G (p.Asn794Ser) is a missense variant that results in the substitution of asparagine with serine. This variant is rare in population databases. Computational prediction algorithms are consistent with a deleterious effect. The currently available literature and clinical evidence are not sufficient to establish a definitive association between this variant and the reported condition. Therefore, this variant is classified as a variant of uncertain significance.

Labcorp Genetics (formerly Invitae), Labcorp
Classification: Uncertain significance. Last evaluated: 2024-10-30. Review status: criteria provided, single submitter. Criteria: Invitae Variant Classification Sherloc (09022015). Collection method: clinical testing. Allele origin: germline.
Comment: This sequence change replaces asparagine, which is neutral and polar, with serine, which is neutral and polar, at codon 794 of the FBXO11 protein (p.Asn794Ser). This variant is not present in population databases (gnomAD no frequency). This variant has not been reported in the literature in individuals affected with FBXO11-related conditions. ClinVar contains an entry for this variant (Variation ID: 2711837). An algorithm developed to predict the effect of missense changes on protein structure and function (PolyPhen-2) suggests that this variant is likely to be disruptive. In summary, the available evidence is currently insufficient to determine the role of this variant in disease. Therefore, it has been classified as a Variant of Uncertain Significance.